The following is an entry in ClinVar:

NM_001244008.2(KIF1A):c.1763G>A (p.Arg588His)

Gene: KIF1A (kinesin family member 1A; minus strand). Cytogenetic location: 2q37.3.
Variant type: single nucleotide variant.
Coding change: c.1763G>A on transcript NM_001244008.2 (MANE Select); coding-DNA position 1763, G replaced by A.
Protein change: p.Arg588His; replaces arginine 588 with histidine.
Molecular consequence: missense variant.
Genome position (GRCh38, 1-based): chr2:240,765,715, C>T on the plus strand (G>A on the coding strand, the complement: KIF1A is on the minus strand). VCF-style: chr2-240765715-C-T. GRCh37 (hg19) VCF-style: chr2-241705132-C-T.
Other names: c.1763G>A, p.Arg588His (NM_001320705.2, NM_001330289.2, NM_001379638.1); c.1838G>A, p.Arg613His (NM_001330290.2, NM_001379631.1, NM_001379634.1 and 2 more transcripts); c.1736G>A, p.Arg579His (NM_001379632.1, NM_001379633.1, NM_001379636.1 and 10 more transcripts); c.1811G>A, p.Arg604His (NM_001379637.1, NM_001379648.1); c.1763G>A (NM_001244008.1); c.1736G>A (NM_004321.6); short protein forms R579H, R588H, R613H, R604H.
Identifiers: ClinVar variation 1362880 (VCV001362880.10), dbSNP rs556945776, ClinGen allele CA68174039.

ClinVar aggregate classification (germline): Uncertain significance. Review status: criteria provided, multiple submitters, no conflicts (2 of 4 stars). 4 submissions from 4 submitters: Uncertain significance (4). Last evaluated 2026-07-07.

Conditions:
KIF1A-related disorder. Also called: KIF1A-related disorders; KIF1A-related condition.
Hereditary spastic paraplegia 30. Identifiers: Orphanet 101010, MedGen C5235139, MONDO:0012476.
Neuropathy, hereditary sensory, type 2C. Also called: Hereditary sensory and autonomic neuropathy type IIC; KIF1A-Related HSAN2 (HSAN2C). Identifiers: Orphanet 970, MedGen C3280168, MONDO:0013634, OMIM 614213.
Intellectual disability, autosomal dominant 9 (NESCAVS). Also called: NESCAV SYNDROME; KIF1A-Related Neurodevelopmental Disorder. Identifiers: Orphanet 662367, MedGen C5393830, MONDO:0013656, OMIM 614255.

Allele frequency attached by ClinVar (database versions not stated): gnomAD exomes below 0.00001 and 0.00001; TOPMed below 0.00001; gnomAD 0.00001; 1000 Genomes Project 30x 0.00016; 1000 Genomes Project 0.00020.
gnomAD v4.1: 18 of 1,613,240 alleles (0.0011%); highest among the groups gnomAD compares: Admixed American, 0.0017%; no homozygotes.

Submissions (4):

PreventionGenetics, part of Exact Sciences
Classification: Uncertain significance for KIF1A-related condition. Last evaluated: 2026-07-07. Review status: criteria provided, single submitter. Criteria: ACMG Guidelines, 2015. Collection method: clinical testing. Allele origin: germline.
Comment: The KIF1A c.1763G>A variant is predicted to result in the amino acid substitution p.Arg588His. To our knowledge, this variant has not been reported in the literature. This variant is reported in 0.00089% of alleles in individuals of European (Non-Finnish) descent in gnomAD. At this time, the clinical significance of this variant is uncertain due to the absence of conclusive functional and genetic evidence.

Labcorp Genetics (formerly Invitae), Labcorp
Classification: Uncertain significance for Hereditary spastic paraplegia 30; Neuropathy, hereditary sensory, type 2C; Intellectual disability, autosomal dominant 9. Last evaluated: 2025-07-04. Review status: criteria provided, single submitter. Criteria: Invitae Variant Classification Sherloc (09022015). Collection method: clinical testing. Allele origin: germline.
Comment: This sequence change replaces arginine, which is basic and polar, with histidine, which is basic and polar, at codon 579 of the KIF1A protein (p.Arg579His). This variant is not present in population databases (gnomAD no frequency). This variant has not been reported in the literature in individuals affected with KIF1A-related conditions. ClinVar contains an entry for this variant (Variation ID: 1362880). Invitae Evidence Modeling of protein sequence and biophysical properties (such as structural, functional, and spatial information, amino acid conservation, physicochemical variation, residue mobility, and thermodynamic stability) indicates that this missense variant is expected to disrupt KIF1A protein function with a positive predictive value of 80%. In summary, the available evidence is currently insufficient to determine the role of this variant in disease. Therefore, it has been classified as a Variant of Uncertain Significance.

Dasa
Classification: Uncertain significance. Last evaluated: 2025-03-19. Review status: criteria provided, single submitter. Criteria: DASA Assertion Criteria. Collection method: clinical testing. Allele origin: germline.
Comment: NM_001244008.2(KIF1A):c.1763G>A (p.Arg588His) is a missense variant that results in the substitution of arginine with histidine. This variant is rare in population databases. Computational prediction algorithms are consistent with a benign effect. The currently available literature and clinical evidence are not sufficient to establish a definitive association between this variant and the reported condition. Therefore, this variant is classified as a variant of uncertain significance.

GeneDx
Classification: Uncertain significance. Last evaluated: 2023-03-08. Review status: criteria provided, single submitter. Criteria: GeneDx Variant Classification Process June 2021. Collection method: clinical testing. Allele origin: germline. Affected: yes.
Comment: In silico analysis supports that this missense variant has a deleterious effect on protein structure/function; Has not been previously published as pathogenic or benign to our knowledge